The following is an entry in ClinVar:

ClinVar aggregate classification (germline): Conflicting classifications of pathogenicity. Review status: criteria provided, conflicting classifications (1 of 4 stars). 9 submissions from 9 submitters: Uncertain significance (5); Likely benign (3). 1 of the submissions does not count toward it. Last evaluated 2026-09-01.

Conditions:
Progeroid and marfanoid aspect-lipodystrophy syndrome. Also called: MARFANOID-PROGEROID-LIPODYSTROPHY SYNDROME; MARFANOID-PROGEROID SYNDROME; MARFAN-PROGEROID-LIPODYSTROPHY SYNDROME; Marfan lipodystrophy syndrome. Identifiers: Orphanet 300382, MedGen C4310796, MONDO:0014831, OMIM 616914.
Geleophysic dysplasia 2 (GPHYSD2). Identifiers: Orphanet 2623, MedGen C3280054, MONDO:0013612, OMIM 614185.
Acromicric dysplasia (ACMICD). Also called: Acromicric skeletal dysplasia. Identifiers: Orphanet 969, MedGen C0265287, MONDO:0007055, OMIM 102370.
MASS syndrome (OCTD). Also called: OVERLAP CONNECTIVE TISSUE DISEASE; MASS PHENOTYPE. Identifiers: MedGen C1858556, MONDO:0011431, OMIM 604308.
Marfan syndrome (MFS). Also called: FBN1-Related Marfan Syndrome; Marfan syndrome type 1; MARFAN SYNDROME, TYPE I; Marfan's syndrome; Marfan syndrome, classic. Identifiers: Orphanet 284963, Orphanet 558, MedGen C0024796, MONDO:0007947, OMIM 154700.
Ectopia lentis 1, isolated, autosomal dominant (ECTOL1). Identifiers: Orphanet 1885, MedGen C3541518, MONDO:0007514, OMIM 129600.
Weill-Marchesani syndrome 2, dominant. Also called: Weill-Marchesani Syndrome, Autosomal Dominant; FBN1-Related Weill-Marchesani Syndrome. Identifiers: Orphanet 2084, MedGen C1869115, MONDO:0012013, OMIM 608328.
Stiff skin syndrome (SSKS). Identifiers: Orphanet 2833, MedGen C1861456, MONDO:0008492, OMIM 184900.
Familial thoracic aortic aneurysm and aortic dissection (TAAD). Also called: Thoracic aortic aneurysms and dissections. Identifiers: Orphanet 91387, MedGen C4707243, MONDO:0019625.

Allele frequency attached by ClinVar (database versions not stated): ExAC 0.00001; gnomAD exomes 0.00001 and 0.00004; TOPMed 0.00003; gnomAD 0.00004.
gnomAD v4.1: 71 of 1,613,314 alleles (0.0044%); highest among the groups gnomAD compares: Non-Finnish European, 0.0053%; no homozygotes.

Submissions (9):

CeGaT Center for Human Genetics Tuebingen
Classification: Likely benign. Last evaluated: 2026-09-01. Review status: criteria provided, single submitter. Criteria: CeGaT Center For Human Genetics Tuebingen Variant Classification Criteria Version 2. Collection method: clinical testing. Allele origin: germline. Affected: yes. Observed: 2 variant alleles.
Comment: FBN1: BS2

Women's Health and Genetics/Laboratory Corporation of America, LabCorp
Classification: Likely benign. Last evaluated: 2025-09-03. Review status: criteria provided, single submitter. Criteria: LabCorp Variant Classification Summary - May 2015. Collection method: clinical testing. Allele origin: germline.
Comment: Variant summary: FBN1 c.5921T>C (p.Ile1974Thr) results in a non-conservative amino acid change in the encoded protein sequence. Algorithms developed to predict the effect of missense changes on protein structure and function all suggest that this variant is likely to be disruptive. The variant allele was found at a frequency of 1.2e-05 in 250880 control chromosomes in the gnomAD v2 data. It was found as 71 heterozygotes in 1613314 control chromosomes in the gnomAD v4 database. To our knowledge, no occurrence of c.5921T>C in individuals affected with FBN1-related conditions and no experimental evidence demonstrating its impact on protein function have been reported. ClinVar contains an entry for this variant (Variation ID: 264487). Based on the evidence outlined above, the variant was classified as likely benign.

Labcorp Genetics (formerly Invitae), Labcorp
Classification: Likely benign for Marfan syndrome; Familial thoracic aortic aneurysm and aortic dissection. Last evaluated: 2024-10-23. Review status: criteria provided, single submitter. Criteria: Invitae Variant Classification Sherloc (09022015). Collection method: clinical testing. Allele origin: germline.

Blueprint Genetics
Classification: Uncertain significance. Last evaluated: 2024-10-03. Review status: criteria provided, single submitter. Criteria: ACMG Guidelines, 2015. Collection method: clinical testing. Allele origin: germline.

All of Us Research Program, National Institutes of Health
Classification: Uncertain significance for Marfan syndrome. Last evaluated: 2024-09-23. Review status: criteria provided, single submitter. Criteria: ACMG Guidelines, 2015. Collection method: clinical testing. Allele origin: germline. Inheritance: Autosomal dominant inheritance. Observed: 12 variant alleles, 12 heterozygotes.
Comment: This missense variant replaces isoleucine with threonine at codon 1974 of the FBN1 protein. Computational prediction is inconclusive regarding the impact of this variant on protein structure and function (internally defined REVEL score threshold 0.5 < inconclusive < 0.7, PMID: 27666373). To our knowledge, functional studies have not been reported for this variant. This variant has not been reported in individuals affected with cardiovascular disorders in the literature. This variant has been identified in 3/250880 chromosomes in the general population by the Genome Aggregation Database (gnomAD). The available evidence is insufficient to determine the role of this variant in disease conclusively. Therefore, this variant is classified as a Variant of Uncertain Significance.

This study involves interpretation of variants in research participants for the purpose of population health screening. Participant phenotype was not available at the time of variant classification. Additional details can be found in publication PMID: 35346344, PMCID: PMC8962531

Color Diagnostics, LLC DBA Color Health
Classification: Uncertain significance for Familial thoracic aortic aneurysm and aortic dissection. Last evaluated: 2024-02-09. Review status: criteria provided, single submitter. Criteria: ACMG Guidelines, 2015. Collection method: clinical testing. Allele origin: germline.
Comment: This missense variant replaces isoleucine with threonine at codon 1974 of the FBN1 protein. Computational prediction tools indicate that this variant's impact on protein structure and function is inconclusive. To our knowledge, functional studies have not been reported for this variant. This variant has not been reported in individuals affected with FBN1-related disorders in the literature. This variant has been identified in 3/250880 chromosomes in the general population by the Genome Aggregation Database (gnomAD). The available evidence is insufficient to determine the role of this variant in disease conclusively. Therefore, this variant is classified as a Variant of Uncertain Significance.

Fulgent Genetics
Classification: Uncertain significance for Acromicric dysplasia; Ectopia lentis 1, isolated, autosomal dominant; Marfan syndrome; Stiff skin syndrome; MASS syndrome; Weill-Marchesani syndrome 2, dominant; Geleophysic dysplasia 2; Progeroid and marfanoid aspect-lipodystrophy syndrome. Last evaluated: 2021-09-01. Review status: criteria provided, single submitter. Criteria: ACMG Guidelines, 2015. Collection method: clinical testing. Allele origin: unknown.

Ambry Genetics
Classification: Uncertain significance for Familial thoracic aortic aneurysm and aortic dissection. Last evaluated: 2015-11-14. Review status: criteria provided, single submitter. Criteria: Ambry Variant Classification Scheme 2023. Collection method: clinical testing. Allele origin: germline.
Comment: The p.I1974T variant (also known as c.5921T>C), located in coding exon 48 of the FBN1 gene, results from a T to C substitution at nucleotide position 5921. The isoleucine at codon 1974 is replaced by threonine, an amino acid with similar properties. This variant was not reported in population based cohorts in the following databases: Database of Single Nucleotide Polymorphisms (dbSNP), NHLBI Exome Sequencing Project (ESP), and 1000 Genomes Project. In the ESP, this variant was not observed in 6494 samples (12988 alleles) with coverage at this position. This amino acid position is well conserved in available vertebrate species. In addition, this alteration is predicted to be possibly damaging but tolerated by PolyPhen and SIFT in silico analyses, respectively. Since supporting evidence is limited at this time, the clinical significance of this variant remains unclear.

Center for Medical Genetics Ghent, University of Ghent
Classification: Uncertain significance for Marfan syndrome. Last evaluated: 2017-11-07. Review status: no assertion criteria provided. Collection method: clinical testing. Allele origin: germline. Affected: yes. Not counted in ClinVar's aggregate classification.

NM_000138.5(FBN1):c.5921T>C (p.Ile1974Thr)

Gene: FBN1 (fibrillin 1; minus strand). Cytogenetic location: 15q21.1.
Variant type: single nucleotide variant.
Coding change: c.5921T>C on transcript NM_000138.5 (MANE Select); coding-DNA position 5921, T replaced by C.
Protein change: p.Ile1974Thr; replaces isoleucine 1974 with threonine.
Molecular consequence: missense variant.
Genome position (GRCh38, 1-based): chr15:48,444,657, A>G on the plus strand (T>C on the coding strand, the complement: FBN1 is on the minus strand). VCF-style: chr15-48444657-A-G. GRCh37 (hg19) VCF-style: chr15-48736854-A-G.
Other names: short protein forms I1974T.
Identifiers: ClinVar variation 264487 (VCV000264487.58), dbSNP rs765878996, ClinGen allele CA055867.